The following is an entry in ClinVar:

ClinVar aggregate classification (germline): Benign. Review status: criteria provided, single submitter (1 of 4 stars). 2 submissions from 2 submitters: Benign (1). 1 of the submissions does not count toward it. Last evaluated 2026-01-13.

Conditions:
LAMA5-related disorder. Also called: LAMA5-Related Disorders; LAMA5-related condition.

Allele frequency attached by ClinVar (database versions not stated): ESP Exome Variant Server 0.00101; gnomAD 0.00105 and 0.00124; gnomAD exomes 0.00140; ExAC 0.00150; TOPMed 0.00168; 1000 Genomes Project 30x 0.00328; 1000 Genomes Project 0.00339.
gnomAD v4.1: 1,043 of 1,612,242 alleles (0.065%); highest among the groups gnomAD compares: East Asian, 1.5%; 10 homozygotes.

Submissions (2):

Labcorp Genetics (formerly Invitae), Labcorp
Classification: Benign. Last evaluated: 2026-01-13. Review status: criteria provided, single submitter. Criteria: Invitae Variant Classification Sherloc (09022015). Collection method: clinical testing. Allele origin: germline.

PreventionGenetics, part of Exact Sciences
Classification: Benign for LAMA5-related condition. Last evaluated: 2019-04-16. Review status: no assertion criteria provided. Collection method: clinical testing. Allele origin: germline. Not counted in ClinVar's aggregate classification.
Comment: This variant is classified as benign based on ACMG/AMP sequence variant interpretation guidelines (Richards et al. 2015 PMID: 25741868, with internal and published modifications).

NM_005560.6(LAMA5):c.6539G>A (p.Arg2180Gln)

Gene: LAMA5 (laminin subunit alpha 5; minus strand). Cytogenetic location: 20q13.33.
Variant type: single nucleotide variant.
Coding change: c.6539G>A on transcript NM_005560.6 (MANE Select); coding-DNA position 6539, G replaced by A.
Protein change: p.Arg2180Gln; replaces arginine 2180 with glutamine.
Molecular consequence: missense variant.
Genome position (GRCh38, 1-based): chr20:62,320,848, C>T on the plus strand (G>A on the coding strand, the complement: LAMA5 is on the minus strand). VCF-style: chr20-62320848-C-T. GRCh37 (hg19) VCF-style: chr20-60895904-C-T.
Other names: c.6539G>A (NM_005560.4); short protein forms R2180Q.
Identifiers: ClinVar variation 1652354 (VCV001652354.10), dbSNP rs111950661, ClinGen allele CA9941688.